The following is an entry in ClinVar:

NM_022367.4(SEMA4A):c.1315+6T>C

Gene: SEMA4A (semaphorin 4A; plus strand). Cytogenetic location: 1q22.
Variant type: single nucleotide variant.
Coding change: c.1315+6T>C on transcript NM_022367.4 (MANE Select); 6 bases into the intron after coding-DNA position 1315, T replaced by C.
Molecular consequence: intron variant.
Genome position (GRCh38, 1-based): chr1:156,173,012, T>C. VCF-style: chr1-156173012-T-C. GRCh37 (hg19) VCF-style: chr1-156142803-T-C.
Other names: c.808+6T>C (NM_001370571.1, NM_001370569.1); c.1315+6T>C (NM_001193300.2, NM_001193301.2, NM_001370567.1); c.1018+6T>C (NM_001370568.1); c.919+6T>C (NM_001193302.2).
Identifiers: ClinVar variation 3701856 (VCV003701856.2).

ClinVar aggregate classification (germline): Uncertain significance (1 of 4 stars; one submission).

Submission:

Labcorp Genetics (formerly Invitae), Labcorp
Classification: Uncertain significance. Last evaluated: 2024-09-01. Review status: criteria provided, single submitter. Criteria: Invitae Variant Classification Sherloc (09022015). Collection method: clinical testing. Allele origin: germline.
Comment: This sequence change falls in intron 11 of the SEMA4A gene. It does not directly change the encoded amino acid sequence of the SEMA4A protein. It affects a nucleotide within the consensus splice site. This variant is not present in population databases (gnomAD no frequency). This variant has not been reported in the literature in individuals affected with SEMA4A-related conditions. Variants that disrupt the consensus splice site are a relatively common cause of aberrant splicing (PMID: 17576681, 9536098). Algorithms developed to predict the effect of sequence changes on RNA splicing suggest that this variant may disrupt the consensus splice site. In summary, the available evidence is currently insufficient to determine the role of this variant in disease. Therefore, it has been classified as a Variant of Uncertain Significance.

Literature cited by the submitters: PubMed 17576681; PubMed 9536098.